The following is an entry in ClinVar:

NM_001167.4(XIAP):c.*12A>G

Gene: XIAP (X-linked inhibitor of apoptosis; plus strand). Cytogenetic location: Xq25.
Variant type: single nucleotide variant.
Coding change: c.*12A>G on transcript NM_001167.4 (MANE Select); 12 bases downstream of the stop codon, A replaced by G.
Molecular consequence: 3 prime UTR variant. On other transcripts: non-coding transcript variant (2).
Genome position (GRCh38, 1-based): chrX:123,907,193, A>G. VCF-style: chrX-123907193-A-G. GRCh37 (hg19) VCF-style: chrX-123041043-A-G.
Other names: c.*12A>G (NM_001204401.2, NM_001378590.1, NM_001378591.1 and 1 more transcripts).
Identifiers: ClinVar variation 367796 (VCV000367796.16), dbSNP rs28382740, ClinGen allele CA10508199.

ClinVar aggregate classification (germline): Benign/Likely benign. Review status: criteria provided, multiple submitters, no conflicts (2 of 4 stars). 7 submissions from 7 submitters: Benign (6); Likely benign (1). Last evaluated 2024-11-28.

Conditions:
X-linked lymphoproliferative disease due to XIAP deficiency. Also called: XIAP DEFICIENCY; XIAP-Related Lymphoproliferative Disease, X-Linked. Identifiers: Orphanet 2442, Orphanet 538934, MedGen C1845076, MONDO:0010385, OMIM 300635.

Allele frequency attached by ClinVar (database versions not stated): ESP Exome Variant Server 0.18678; gnomAD 0.18976 and 0.19660; TOPMed 0.19507; gnomAD exomes 0.21083 and 0.23432; 1000 Genomes Project 30x 0.25765; 1000 Genomes Project 0.26728; ExAC 0.26945.
gnomAD v4.1: 247,060 of 1,177,667 alleles (21%); highest among the groups gnomAD compares: South Asian, 39%; 18,019 homozygotes.

Submissions (7):

Blueprint Genetics
Classification: Likely benign. Last evaluated: 2024-11-28. Review status: criteria provided, single submitter. Criteria: ACMG Guidelines, 2015. Collection method: clinical testing. Allele origin: germline.

Unidad de Genómica Garrahan, Hospital de Pediatría Garrahan
Classification: Benign. Last evaluated: 2023-11-12. Review status: criteria provided, single submitter. Criteria: ACMG Guidelines, 2015. Collection method: clinical testing. Allele origin: germline. Affected: no. Observed: 35 variant alleles.
Comment: This variant is classified as Benign based on local population frequency. This variant was detected in 36% of patients studied by a panel of primary immunodeficiencies. Number of patients: 35. Only high quality variants are reported.

Genome-Nilou Lab
Classification: Benign for X-linked lymphoproliferative disease due to XIAP deficiency. Last evaluated: 2021-12-05. Review status: criteria provided, single submitter. Criteria: ACMG Guidelines, 2015. Collection method: clinical testing. Allele origin: germline. Affected: no.

Eurofins Ntd Llc (ga)
Classification: Benign. Last evaluated: 2018-03-22. Review status: criteria provided, single submitter. Criteria: EGL ClinVar v180209 classification definitions. Collection method: clinical testing. Allele origin: germline. Observed: 40 variant alleles, 20 heterozygotes, 5 homozygotes, 15 hemizygotes.

Illumina Laboratory Services, Illumina
Classification: Benign for X-linked lymphoproliferative disease due to XIAP deficiency. Last evaluated: 2018-01-13. Review status: criteria provided, single submitter. Criteria: ICSL Variant Classification Criteria 13 December 2019. Collection method: clinical testing. Allele origin: germline.
Comment: This variant was observed in the ICSL laboratory as part of a predisposition screen in an ostensibly healthy population. It had not been previously curated by ICSL or reported in the Human Gene Mutation Database (HGMD: prior to June 1st, 2018), and was therefore a candidate for classification through an automated scoring system. Utilizing variant allele frequency, disease prevalence and penetrance estimates, and inheritance mode, an automated score was calculated to assess if this variant is too frequent to cause the disease. Based on the score and internal cut-off values, a variant classified as benign is not then subjected to further curation. The score for this variant resulted in a classification of benign for this disease.

Laboratory for Molecular Medicine, Mass General Brigham Personalized Medicine
Classification: Benign. Last evaluated: 2016-03-28. Review status: criteria provided, single submitter. Criteria: LMM Criteria. Collection method: clinical testing. Allele origin: germline.
Comment: Variant identified in a genome or exome case(s) and assessed due to predicted null impact of the variant or pathogenic assertions in the literature or databases. Disclaimer: This variant has not undergone full assessment. The following are preliminary notes: Frequency

Breakthrough Genomics
Classification: Benign. Review status: criteria provided, single submitter. Criteria: ACMG Guidelines, 2015. Collection method: not provided. Allele origin: germline. Inheritance: X-linked inheritance. Affected: yes.